The following is an entry in ClinVar:

ClinVar aggregate classification (germline): Conflicting classifications of pathogenicity. Review status: criteria provided, conflicting classifications (1 of 4 stars). 3 submissions from 3 submitters: Uncertain significance (1); Likely benign (2). Last evaluated 2024-05-15.

Conditions:
Inborn genetic diseases. Identifiers: MedGen C0950123, MeSH D030342.

Allele frequency attached by ClinVar (database versions not stated): gnomAD exomes 0.00001 and 0.00004; ExAC 0.00003; TOPMed 0.00010; gnomAD 0.00011.
gnomAD v4.1: 37 of 1,614,184 alleles (0.0023%); highest among the groups gnomAD compares: African/African-American, 0.027%; no homozygotes.

Submissions (3):

Ambry Genetics
Classification: Likely benign for Inborn genetic diseases. Last evaluated: 2024-05-15. Review status: criteria provided, single submitter. Criteria: Ambry Variant Classification Scheme 2023. Collection method: clinical testing. Allele origin: germline.

Labcorp Genetics (formerly Invitae), Labcorp
Classification: Uncertain significance. Last evaluated: 2024-04-25. Review status: criteria provided, single submitter. Criteria: Invitae Variant Classification Sherloc (09022015). Collection method: clinical testing. Allele origin: germline.
Comment: This sequence change replaces glycine, which is neutral and non-polar, with serine, which is neutral and polar, at codon 219 of the ADAMTS18 protein (p.Gly219Ser). This variant is present in population databases (no rsID available, gnomAD 0.03%). This variant has not been reported in the literature in individuals affected with ADAMTS18-related conditions. ClinVar contains an entry for this variant (Variation ID: 1381788). Algorithms developed to predict the effect of missense changes on protein structure and function output the following: SIFT: "Not Available"; PolyPhen-2: "Benign"; Align-GVGD: "Not Available". The serine amino acid residue is found in multiple mammalian species, which suggests that this missense change does not adversely affect protein function. In summary, the available evidence is currently insufficient to determine the role of this variant in disease. Therefore, it has been classified as a Variant of Uncertain Significance.

Blueprint Genetics
Classification: Likely benign. Last evaluated: 2022-09-07. Review status: criteria provided, single submitter. Criteria: ACMG Guidelines, 2015. Collection method: clinical testing. Allele origin: germline.

NM_199355.4(ADAMTS18):c.655G>A (p.Gly219Ser)

Gene: ADAMTS18 (ADAM metallopeptidase with thrombospondin type 1 motif 18; minus strand). Cytogenetic location: 16q23.1.
Variant type: single nucleotide variant.
Coding change: c.655G>A on transcript NM_199355.4 (MANE Select); coding-DNA position 655, G replaced by A.
Protein change: p.Gly219Ser; replaces glycine 219 with serine.
Molecular consequence: missense variant. On other transcripts: synonymous variant (1).
Genome position (GRCh38, 1-based): chr16:77,367,564, C>T on the plus strand (G>A on the coding strand, the complement: ADAMTS18 is on the minus strand). VCF-style: chr16-77367564-C-T. GRCh37 (hg19) VCF-style: chr16-77401461-C-T.
Other names: c.135G>A, p.Pro45= (NM_001326358.2); c.655G>A (NM_199355.2); short protein forms G219S.
Identifiers: ClinVar variation 1381788 (VCV001381788.6), dbSNP rs912591669, ClinGen allele CA8181607.